The following is an entry in ClinVar:

NM_001244710.2(GFPT1):c.1291C>T (p.Arg431Ter)

Gene: GFPT1 (glutamine--fructose-6-phosphate transaminase 1; minus strand). Cytogenetic location: 2p13.3.
Variant type: single nucleotide variant.
Coding change: c.1291C>T on transcript NM_001244710.2 (MANE Select); coding-DNA position 1291, C replaced by T.
Protein change: p.Arg431Ter; replaces arginine 431 with a stop codon.
Molecular consequence: nonsense.
Genome position (GRCh38, 1-based): chr2:69,338,478, G>A on the plus strand (C>T on the coding strand, the complement: GFPT1 is on the minus strand). VCF-style: chr2-69338478-G-A. GRCh37 (hg19) VCF-style: chr2-69565610-G-A.
Other names: c.1237C>T, p.Arg413Ter (NM_002056.4); short protein forms R413*, R431*.
Identifiers: ClinVar variation 2719778 (VCV002719778.4), dbSNP rs1670857628, ClinGen allele CA347124640.
Genomic context (GRCh38, chr2:69,338,478, plus strand): 5'-CCTTTTAAGTCTTTAAAATTAACACACCTGATTGACTAAGGAAAAAGCAAACATCATCTC[G>A]AAAGACTGGTGTGTTTCTGTCCAGGAAGTCACTTGCTAGTTCCACCATCACAGGCAACTC-3'

ClinVar aggregate classification (germline): Pathogenic (1 of 4 stars; one submission).

Conditions:
Congenital myasthenic syndrome 12 (CMS12). Also called: MYASTHENIC SYNDROME, CONGENITAL, WITH TUBULAR AGGREGATES 1; Myasthenia, congenital, 12, with tubular aggregates. Identifiers: Orphanet 353327, Orphanet 590, MedGen C3552335, MONDO:0012518, OMIM 610542.

Allele frequency attached by ClinVar (database versions not stated): gnomAD exomes below 0.00001.
gnomAD v4.1: 4 of 1,613,134 alleles (0.00025%); highest among the groups gnomAD compares: South Asian, 0.0022%; no homozygotes.

Submission:

Labcorp Genetics (formerly Invitae), Labcorp
Classification: Pathogenic for Congenital myasthenic syndrome 12. Last evaluated: 2023-10-05. Review status: criteria provided, single submitter. Criteria: Invitae Variant Classification Sherloc (09022015). Collection method: clinical testing. Allele origin: germline.
Comment: This sequence change creates a premature translational stop signal (p.Arg431*) in the GFPT1 gene. It is expected to result in an absent or disrupted protein product. Loss-of-function variants in GFPT1 are known to be pathogenic (PMID: 23794683). This variant is not present in population databases (gnomAD no frequency). This variant has not been reported in the literature in individuals affected with GFPT1-related conditions. For these reasons, this variant has been classified as Pathogenic.

Literature cited by the submitters: PubMed 23794683.